The following is an entry in ClinVar:

NM_006231.4(POLE):c.5811G>A (p.Leu1937=)

Gene: POLE (DNA polymerase epsilon, catalytic subunit; minus strand). Cytogenetic location: 12q24.33.
Variant type: single nucleotide variant.
Coding change: c.5811G>A on transcript NM_006231.4 (MANE Select); coding-DNA position 5811, G replaced by A.
Protein change: p.Leu1937=; no amino-acid change (leucine 1937 retained).
Molecular consequence: synonymous variant.
Genome position (GRCh38, 1-based): chr12:132,635,892, C>T on the plus strand (G>A on the coding strand, the complement: POLE is on the minus strand). VCF-style: chr12-132635892-C-T. GRCh37 (hg19) VCF-style: chr12-133212478-C-T.
Identifiers: ClinVar variation 486124 (VCV000486124.16), dbSNP rs368174082, ClinGen allele CA246296814.
Genomic context (GRCh38, chr12:132,635,892, plus strand): 5'-GCTGCAGGAATGAACGCGACCCCCAAAGCTGGCTCGGGTGCCACACTGCAGCTCGCTTAC[C>T]AGTCCACAGTGAATACGAGATGAAACTTTTCCTTTGATTCCGCCATAGTTAGATGGATCC-3'
Protein context (NP_006222.2, residues 1927-1947): GKVSSRIHCG[Leu1937=]QDSQKAGGAE

ClinVar aggregate classification (germline): Uncertain significance. Review status: criteria provided, multiple submitters, no conflicts (2 of 4 stars). 3 submissions from 3 submitters: Uncertain significance (3). Last evaluated 2025-11-18.

Conditions:
Hereditary cancer-predisposing syndrome. Also called: Tumor predisposition; Hereditary Cancer Syndrome; Hereditary neoplastic syndrome; Neoplastic Syndromes, Hereditary. Identifiers: Orphanet 140162, MedGen C0027672, MeSH D009386, MONDO:0015356.

Allele frequency attached by ClinVar (database versions not stated): gnomAD exomes below 0.00001; gnomAD 0.00001; TOPMed 0.00001; ESP Exome Variant Server 0.00008.
gnomAD v4.1: 3 of 1,609,506 alleles (0.00019%); highest among the groups gnomAD compares: African/African-American, 0.0027%; no homozygotes.

Submissions (3):

Labcorp Genetics (formerly Invitae), Labcorp
Classification: Uncertain significance. Last evaluated: 2025-11-18. Review status: criteria provided, single submitter. Criteria: Invitae Variant Classification Sherloc (09022015). Collection method: clinical testing. Allele origin: germline.
Comment: This sequence change affects codon 1937 of the POLE mRNA. It is a 'silent' change, meaning that it does not change the encoded amino acid sequence of the POLE protein. This variant also falls at the last nucleotide of exon 42, which is part of the consensus splice site for this exon. This variant is present in population databases (rs368174082, gnomAD 0.007%). This variant has not been reported in the literature in individuals affected with POLE-related conditions. ClinVar contains an entry for this variant (Variation ID: 486124). Variants that disrupt the consensus splice site are a relatively common cause of aberrant splicing (PMID: 17576681, 9536098). Studies have shown that this variant is associated with inconclusive levels of altered splicing (internal data). In summary, the available evidence is currently insufficient to determine the role of this variant in disease. Therefore, it has been classified as a Variant of Uncertain Significance.

Ambry Genetics
Classification: Uncertain significance for Hereditary cancer-predisposing syndrome. Last evaluated: 2025-02-05. Review status: criteria provided, single submitter. Criteria: Ambry Variant Classification Scheme 2023. Collection method: clinical testing. Allele origin: germline.
Comment: The c.5811G>A variant (also known as p.L1937L), located in coding exon 42 of the POLE gene, results from a G to A substitution at nucleotide position 5811. This nucleotide substitution does not change the leucine at codon 1937. However, this change occurs in the last base pair of coding exon 42, which makes it likely to have some effect on normal mRNA splicing. This nucleotide position is highly conserved in available vertebrate species. In silico splice site analysis predicts that this alteration will weaken the native splice donor site. Based on the available evidence, the clinical significance of this variant remains unclear.

GeneDx
Classification: Uncertain significance. Last evaluated: 2024-05-22. Review status: criteria provided, single submitter. Criteria: GeneDx Variant Classification Process June 2021. Collection method: clinical testing. Allele origin: germline. Affected: yes.
Comment: Not observed at significant frequency in large population cohorts (gnomAD); In silico analysis supports a deleterious effect on splicing; Has not been previously published as pathogenic or benign to our knowledge

Literature cited by the submitters: PubMed 17576681 (cited by Labcorp Genetics (formerly Invitae), Labcorp); PubMed 9536098 (cited by Labcorp Genetics (formerly Invitae), Labcorp).